The following is an entry in ClinVar:

NM_022167.4(XYLT2):c.1446del (p.Asn483fs)

Gene: XYLT2 (xylosyltransferase 2; plus strand). Cytogenetic location: 17q21.33.
Variant type: Deletion.
Coding change: c.1446del on transcript NM_022167.4 (MANE Select); coding-DNA position 1446, one base deleted (C; older notation c.1446delC).
Protein change: p.Asn483fs; shifts the reading frame from asparagine 483.
Molecular consequence: frameshift variant.
Genome position (GRCh38, 1-based): chr17:50,356,225, C deleted; the last of 5 consecutive C bases (chr17:50,356,221-50,356,225); deleting any one gives the same sequence. VCF-style (leftmost placement, unchanged base first): chr17-50356220-TC-T. GRCh37 (hg19) VCF-style: chr17-48433581-TC-T.
Other names: short protein forms N483fs.
Identifiers: ClinVar variation 863214 (VCV000863214.7), dbSNP rs1912519918, ClinGen allele CA916083618.
Genomic context (GRCh38, chr17:50,356,220, plus strand): 5'-TGGAACCGCAAGCTGGGCTGCAAGTGCCAGTACAAGCACATTGTGGACTGGTGTGGCTGC[TC>T]CCCCAACGACTTCAAGCCACAGGACTTCCTCCGGCTGCAGGTGCTTGCCCGAGGCCCCAA-3'

ClinVar aggregate classification (germline): Pathogenic (1 of 4 stars; one submission).

Submission:

Labcorp Genetics (formerly Invitae), Labcorp
Classification: Pathogenic. Last evaluated: 2019-12-12. Review status: criteria provided, single submitter. Criteria: Invitae Variant Classification Sherloc (09022015). Collection method: clinical testing. Allele origin: germline.
Comment: For these reasons, this variant has been classified as Pathogenic. Loss-of-function variants in XYLT2 are known to be pathogenic (PMID: 26027496). This variant has not been reported in the literature in individuals with XYLT2-related disease. This variant is not present in population databases (ExAC no frequency). This sequence change creates a premature translational stop signal (p.Asn483Thrfs*28) in the XYLT2 gene. It is expected to result in an absent or disrupted protein product.

Literature cited by the submitters: PubMed 26027496.